The following is an entry in ClinVar:

ClinVar aggregate classification (germline): Uncertain significance. Review status: criteria provided, multiple submitters, no conflicts (2 of 4 stars). 2 submissions from 2 submitters: Uncertain significance (2). Last evaluated 2025-09-27.

Conditions:
Inborn genetic diseases. Identifiers: MedGen C0950123, MeSH D030342.

Submissions (2):

Ambry Genetics
Classification: Uncertain significance for Inborn genetic diseases. Last evaluated: 2025-09-27. Review status: criteria provided, single submitter. Criteria: Ambry Variant Classification Scheme 2023. Collection method: clinical testing. Allele origin: germline.

Labcorp Genetics (formerly Invitae), Labcorp
Classification: Uncertain significance. Last evaluated: 2022-08-16. Review status: criteria provided, single submitter. Criteria: Invitae Variant Classification Sherloc (09022015). Collection method: clinical testing. Allele origin: germline.
Comment: In summary, the available evidence is currently insufficient to determine the role of this variant in disease. Therefore, it has been classified as a Variant of Uncertain Significance. Algorithms developed to predict the effect of sequence changes on RNA splicing suggest that this variant may create or strengthen a splice site. Algorithms developed to predict the effect of missense changes on protein structure and function are either unavailable or do not agree on the potential impact of this missense change (SIFT: "Deleterious"; PolyPhen-2: "Probably Damaging"; Align-GVGD: "Class C0"). ClinVar contains an entry for this variant (Variation ID: 1462276). This variant has not been reported in the literature in individuals affected with OSBPL2-related conditions. This variant is not present in population databases (gnomAD no frequency). This sequence change replaces glutamic acid, which is acidic and polar, with glycine, which is neutral and non-polar, at codon 284 of the OSBPL2 protein (p.Glu284Gly).

NM_144498.4(OSBPL2):c.851A>G (p.Glu284Gly)

Gene: OSBPL2 (oxysterol binding protein like 2; plus strand). Cytogenetic location: 20q13.33.
Variant type: single nucleotide variant.
Coding change: c.851A>G on transcript NM_144498.4 (MANE Select); coding-DNA position 851, A replaced by G.
Protein change: p.Glu284Gly; replaces glutamic acid 284 with glycine.
Molecular consequence: missense variant.
Genome position (GRCh38, 1-based): chr20:62,281,858, A>G. VCF-style: chr20-62281858-A-G. GRCh37 (hg19) VCF-style: chr20-60856914-A-G.
Other names: c.575A>G, p.Glu192Gly (NM_001278649.3, NM_001363878.2); c.815A>G, p.Glu272Gly (NM_014835.5); c.851A>G (NM_144498.1); short protein forms E192G, E272G, E284G.
Identifiers: ClinVar variation 1462276 (VCV001462276.9), dbSNP rs2145967230, ClinGen allele CA409546296.
Genomic context (GRCh38, chr20:62,281,858, plus strand): 5'-ATAAGTGTGTGCTTCACTTTAAACCGTGTGGATTATTTGGAAAAGAACTTCACAAGGTGG[A>G]AGGACACATTCAAGACAAAAAGTAGGTCCTTGCCAAGTGTTCATGGGGCACCACTACAGC-3'
Protein context (NP_653081.1, residues 274-294): GLFGKELHKV[Glu284Gly]GHIQDKNKKK